The following is an entry in ClinVar:

ClinVar aggregate classification (germline): Conflicting classifications of pathogenicity. Review status: criteria provided, conflicting classifications (1 of 4 stars). 5 submissions from 5 submitters: Uncertain significance (2); Benign (1). 2 of the submissions do not count toward it. Last evaluated 2026-01-20.

Conditions:
Peroxisome biogenesis disorder 1A (Zellweger) (PBD1A). Also called: Zellweger leukodystrophy; Peroxisome biogenesis disorder 1a. Identifiers: MedGen C4721541, MONDO:0008953, OMIM 214100.
PEX1-related disorder. Also called: PEX1-related condition.
Zellweger spectrum disorders (ZS). Also called: Zellweger syndrome; Zellweger Spectrum Disorder; Zellweger Spectrum; Zellweger Spectrum Disorder (ZSD). Identifiers: Orphanet 912, MedGen C0043459, MONDO:0019609.

Allele frequency attached by ClinVar (database versions not stated): gnomAD exomes 0.00003 and 0.00012; gnomAD 0.00005; ExAC 0.00007; TOPMed 0.00007; ESP Exome Variant Server 0.00015.

Submissions (5):

Labcorp Genetics (formerly Invitae), Labcorp
Classification: Benign for Zellweger spectrum disorders. Last evaluated: 2026-01-20. Review status: criteria provided, single submitter. Criteria: Invitae Variant Classification Sherloc (09022015). Collection method: clinical testing. Allele origin: germline.

Illumina Laboratory Services, Illumina
Classification: Uncertain significance for Peroxisome biogenesis disorder 1A (Zellweger). Last evaluated: 2018-01-13. Review status: criteria provided, single submitter. Criteria: ICSL Variant Classification Criteria 13 December 2019. Collection method: clinical testing. Allele origin: germline.

Eurofins Ntd Llc (ga)
Classification: Uncertain significance. Last evaluated: 2016-11-01. Review status: criteria provided, single submitter. Criteria: EGL Classification Definitions 2015. Collection method: clinical testing. Allele origin: germline. Observed: 1 variant allele, 1 heterozygote.

PreventionGenetics, part of Exact Sciences
Classification: Likely benign for PEX1-related condition. Last evaluated: 2022-10-25. Review status: no assertion criteria provided. Collection method: clinical testing. Allele origin: germline. Not counted in ClinVar's aggregate classification.
Comment: This variant is classified as likely benign based on ACMG/AMP sequence variant interpretation guidelines (Richards et al. 2015 PMID: 25741868, with internal and published modifications).

Natera, Inc.
Classification: Likely benign for Zellweger syndrome. Last evaluated: 2018-10-08. Review status: no assertion criteria provided. Collection method: clinical testing. Allele origin: germline. Not counted in ClinVar's aggregate classification.

NM_000466.3(PEX1):c.1441G>A (p.Val481Ile)

Gene: PEX1 (peroxisomal biogenesis factor 1; minus strand). Cytogenetic location: 7q21.2.
Variant type: single nucleotide variant.
Coding change: c.1441G>A on transcript NM_000466.3 (MANE Select); coding-DNA position 1441, G replaced by A.
Protein change: p.Val481Ile; replaces valine 481 with isoleucine.
Molecular consequence: missense variant.
Genome position (GRCh38, 1-based): chr7:92,511,622, C>T on the plus strand (G>A on the coding strand, the complement: PEX1 is on the minus strand). VCF-style: chr7-92511622-C-T. GRCh37 (hg19) VCF-style: chr7-92140936-C-T.
Other names: c.1441G>A, p.Val481Ile (NM_001282677.2); c.817G>A, p.Val273Ile (NM_001282678.2); short protein forms V481I, V273I.
Identifiers: ClinVar variation 360927 (VCV000360927.25), dbSNP rs139919229, ClinGen allele CA4341401.